The following is an entry in ClinVar:

ClinVar aggregate classification (germline): Uncertain significance (1 of 4 stars; one submission).

Allele frequency attached by ClinVar (database versions not stated): gnomAD exomes below 0.00001; TOPMed below 0.00001.
gnomAD v4.1: 1 of 1,614,114 alleles (0.000062%); highest among the groups gnomAD compares: African/African-American, 0.0013%; no homozygotes.

Submission:

GeneDx
Classification: Uncertain significance. Last evaluated: 2022-04-05. Review status: criteria provided, single submitter. Criteria: GeneDx Variant Classification Process June 2021. Collection method: clinical testing. Allele origin: germline. Affected: yes.
Comment: Not observed at significant frequency in large population cohorts (gnomAD); In silico analysis supports that this missense variant does not alter protein structure/function; Has not been previously published as pathogenic or benign to our knowledge

NM_003383.5(VLDLR):c.217G>A (p.Ala73Thr)

Gene: VLDLR (very low density lipoprotein receptor; plus strand). Cytogenetic location: 9p24.2.
Variant type: single nucleotide variant.
Coding change: c.217G>A on transcript NM_003383.5 (MANE Select); coding-DNA position 217, G replaced by A.
Protein change: p.Ala73Thr; replaces alanine 73 with threonine.
Molecular consequence: missense variant.
Genome position (GRCh38, 1-based): chr9:2,639,873, G>A. VCF-style: chr9-2639873-G-A. GRCh37 (hg19) VCF-style: chr9-2639873-G-A.
Other names: c.217G>A, p.Ala73Thr (NM_001018056.3, NM_001322225.2, NM_001322226.2); short protein forms A73T.
Identifiers: ClinVar variation 1708904 (VCV001708904.2), dbSNP rs1191355507, ClinGen allele CA372788370.